The following is an entry in ClinVar:

NM_000138.5(FBN1):c.5225-3C>A

Gene: FBN1 (fibrillin 1; minus strand). Cytogenetic location: 15q21.1.
Variant type: single nucleotide variant.
Coding change: c.5225-3C>A on transcript NM_000138.5 (MANE Select); 3 bases into the intron before coding-DNA position 5225, C replaced by A.
Molecular consequence: intron variant.
Genome position (GRCh38, 1-based): chr15:48,460,320, G>T on the plus strand (C>A on the coding strand, the complement: FBN1 is on the minus strand). VCF-style: chr15-48460320-G-T. GRCh37 (hg19) VCF-style: chr15-48752517-G-T.
Identifiers: ClinVar variation 228685 (VCV000228685.14), dbSNP rs876657810, ClinGen allele CA10576989.

ClinVar aggregate classification (germline): Uncertain significance. Review status: criteria provided, multiple submitters, no conflicts (2 of 4 stars). 3 submissions from 3 submitters: Uncertain significance (3). Last evaluated 2021-05-26.

Conditions:
Marfan syndrome (MFS). Also called: MARFAN SYNDROME, TYPE I; FBN1-Related Marfan Syndrome; Marfan syndrome, classic; Marfan syndrome type 1; Marfan's syndrome. Identifiers: Orphanet 284963, Orphanet 558, MedGen C0024796, MONDO:0007947, OMIM 154700.
Familial thoracic aortic aneurysm and aortic dissection (TAAD). Also called: Thoracic aortic aneurysms and dissections. Identifiers: Orphanet 91387, MedGen C4707243, MONDO:0019625.

Submissions (3):

GeneDx
Classification: Uncertain significance. Last evaluated: 2021-05-26. Review status: criteria provided, single submitter. Criteria: GeneDx Variant Classification Process June 2021. Collection method: clinical testing. Allele origin: germline. Affected: yes.
Comment: Has not been previously published as pathogenic or benign to our knowledge; Not observed at significant frequency in large population cohorts (Lek et al., 2016); In silico analysis supports a deleterious effect on splicing; Reported in ClinVar as a variant of uncertain significance (ClinVar Variant ID# 228685; Landrum et al., 2016); This variant is associated with the following publications: (PMID: 9536098, 17576681)

Labcorp Genetics (formerly Invitae), Labcorp
Classification: Uncertain significance for Marfan syndrome; Familial thoracic aortic aneurysm and aortic dissection. Last evaluated: 2020-03-04. Review status: criteria provided, single submitter. Criteria: Invitae Variant Classification Sherloc (09022015). Collection method: clinical testing. Allele origin: germline.
Comment: In summary, the available evidence is currently insufficient to determine the role of this variant in disease. Therefore, it has been classified as a Variant of Uncertain Significance. Nucleotide substitutions within the consensus splice site are a relatively common cause of aberrant splicing (PMID: 17576681, 9536098). Algorithms developed to predict the effect of sequence changes on RNA splicing suggest that this variant may disrupt the consensus splice site, but this prediction has not been confirmed by published transcriptional studies. This variant has been observed in individual(s) with clinical features of Marfan syndrome (Invitae). ClinVar contains an entry for this variant (Variation ID: 228685). This variant is not present in population databases (ExAC no frequency). This sequence change falls in intron 42 of the FBN1 gene. It does not directly change the encoded amino acid sequence of the FBN1 protein, but it affects a nucleotide within the consensus splice site of the intron.

Laboratory for Molecular Medicine, Mass General Brigham Personalized Medicine
Classification: Uncertain significance. Last evaluated: 2015-01-08. Review status: criteria provided, single submitter. Criteria: LMM Criteria. Collection method: clinical testing. Allele origin: germline. Observed: 1 variant allele.
Comment: The c.5225-3C>A variant in FBN1 has not been previously reported in individuals with Marfan syndrome or in large population studies. This variant is located in the 3' splice region. Computational tools do not suggest an impact to splicing. However, this information is not predictive enough to determine pathogenicity. I n summary, the clinical significance of the c.5225-3C>A variant is uncertain.

Literature cited by the submitters: PubMed 17576681 (cited by Labcorp Genetics (formerly Invitae), Labcorp); PubMed 9536098 (cited by Labcorp Genetics (formerly Invitae), Labcorp).